The following is an entry in ClinVar:

NM_144997.7(FLCN):c.959G>A (p.Arg320Gln)

Gene: FLCN (folliculin; minus strand). Cytogenetic location: 17p11.2.
Variant type: single nucleotide variant.
Coding change: c.959G>A on transcript NM_144997.7 (MANE Select); coding-DNA position 959, G replaced by A.
Protein change: p.Arg320Gln; replaces arginine 320 with glutamine.
Molecular consequence: missense variant.
Genome position (GRCh38, 1-based): chr17:17,219,122, C>T on the plus strand (G>A on the coding strand, the complement: FLCN is on the minus strand). VCF-style: chr17-17219122-C-T. GRCh37 (hg19) VCF-style: chr17-17122436-C-T.
Other names: c.1013G>A, p.Arg338Gln (NM_001353229.2); c.959G>A, p.Arg320Gln (NM_001353230.2, NM_001353231.2); c.959G>A (LRG_325t1, NM_144997.6); short protein forms R320Q, R338Q.
Identifiers: ClinVar variation 41863 (VCV000041863.66), dbSNP rs143483053, ClinGen allele CA159801.
Genomic context (GRCh38, chr17:17,219,122, plus strand): 5'-GGCTGCCAGCTCCCACAGCCTGAGAGAGAGGAGGACTCTGCCGGGCCCTGGGTCAGCTCC[C>T]GCCCTTCTGTACTCTCTGGCAACACAGGGGCTTTCTCCTCCTCTTCAGCCTCAGAGTTGT-3'
Protein context (NP_659434.2, residues 310-330): APVLPESTEG[Arg320Gln]ELTQGPAESS

ClinVar aggregate classification (germline): Conflicting classifications of pathogenicity. Review status: criteria provided, conflicting classifications (1 of 4 stars). 20 submissions from 19 submitters: Uncertain significance (1); Benign (3); Likely benign (11). 5 of the submissions do not count toward it. Last evaluated 2026-04-01.

Conditions:
FLCN-related disorder. Also called: FLCN-related condition.
Hereditary cancer-predisposing syndrome. Also called: Tumor predisposition; Neoplastic Syndromes, Hereditary; Hereditary Cancer Syndrome; Hereditary neoplastic syndrome. Identifiers: Orphanet 140162, MedGen C0027672, MeSH D009386, MONDO:0015356.
Familial spontaneous pneumothorax (PSP). Identifiers: Orphanet 2903, MedGen C1868193, MONDO:0008259, OMIM 173600.
Birt-Hogg-Dube syndrome. Also called: Birt Hogg Dubé syndrome. Identifiers: Orphanet 122, MedGen C0346010, MONDO:0800444.

Allele frequency attached by ClinVar (database versions not stated): TOPMed 0.00066; gnomAD 0.00069 and 0.00071; ExAC 0.00078; gnomAD exomes 0.00081 and 0.00108; ESP Exome Variant Server 0.00115.
gnomAD v4.1: 1,640 of 1,614,080 alleles (0.1%); highest among the groups gnomAD compares: Non-Finnish European, 0.13%; 2 homozygotes.

Submissions (20):

CeGaT Center for Human Genetics Tuebingen
Classification: Likely benign. Last evaluated: 2026-04-01. Review status: criteria provided, single submitter. Criteria: CeGaT Center For Human Genetics Tuebingen Variant Classification Criteria Version 2. Collection method: clinical testing. Allele origin: germline. Affected: yes. Observed: 8 variant alleles.
Comment: FLCN: BP4, BS1

Labcorp Genetics (formerly Invitae), Labcorp
Classification: Benign for Birt-Hogg-Dube syndrome. Last evaluated: 2026-02-04. Review status: criteria provided, single submitter. Criteria: Invitae Variant Classification Sherloc (09022015). Collection method: clinical testing. Allele origin: germline.

Center for Genomic Medicine, Rigshospitalet, Copenhagen University Hospital
Classification: Likely benign. Last evaluated: 2025-12-29. Review status: criteria provided, single submitter. Criteria: ACMG Guidelines, 2015. Collection method: clinical testing. Allele origin: germline.

Dasa
Classification: Uncertain significance. Last evaluated: 2025-11-11. Review status: criteria provided, single submitter. Criteria: DASA Assertion Criteria. Collection method: clinical testing. Allele origin: germline.
Comment: NM_144997.7(FLCN):c.959G>A (p.Arg320Gln) is a missense variant that results in the substitution of arginine with glutamine. This classification is supported by population frequency inconsistent with a disease-causing role. The currently available literature and clinical evidence are not sufficient to establish a definitive association between this variant and the reported condition. Therefore, this variant is classified as a variant of uncertain significance.

Quest Diagnostics Nichols Institute San Juan Capistrano
Classification: Benign. Last evaluated: 2025-08-18. Review status: criteria provided, single submitter. Criteria: Quest Diagnostics criteria. Collection method: clinical testing. Allele origin: unknown.

Laboratory of Genetics, Children's Clinical University Hospital Latvia
Classification: Likely benign. Last evaluated: 2025-02-16. Review status: criteria provided, single submitter. Criteria: ACMG Guidelines, 2015. Collection method: clinical testing. Allele origin: germline. Affected: yes.

Blueprint Genetics
Classification: Likely benign. Last evaluated: 2024-11-21. Review status: criteria provided, single submitter. Criteria: ACMG Guidelines, 2015. Collection method: clinical testing. Allele origin: germline.

Mayo Clinic Laboratories, Mayo Clinic
Classification: Likely benign. Last evaluated: 2024-06-21. Review status: criteria provided, single submitter. Criteria: ACMG Guidelines, 2015. Collection method: clinical testing. Allele origin: germline. Observed: 3 variant alleles.
Comment: BS1, BP4

Myriad Genetics, Inc.
Classification: Benign for Birt-Hogg-Dube syndrome 1. Last evaluated: 2023-07-06. Review status: criteria provided, single submitter. Criteria: Myriad Autosomal Dominant, Autosomal Recessive and X-Linked Classification Criteria (2023). Collection method: clinical testing. Allele origin: unknown.
Comment: This variant is considered benign. This variant has been observed at a population frequency that is significantly greater than expected given the associated disease prevalence and penetrance. Homozygosity has been confirmed in one or more individuals. As homozygosity for pathogenic variants in this gene is generally assumed to result in embryonic lethality, this variant is unlikely to be pathogenic.

GeneDx
Classification: Likely benign. Last evaluated: 2021-08-19. Review status: criteria provided, single submitter. Criteria: GeneDx Variant Classification Process June 2021. Collection method: clinical testing. Allele origin: germline. Affected: yes.
Comment: This variant is associated with the following publications: (PMID: 28873162, 24728327, 22703879, 14627671, 27146957, 20522427, 21794948)

Sema4
Classification: Likely benign for Hereditary cancer-predisposing syndrome. Last evaluated: 2020-10-22. Review status: criteria provided, single submitter. Criteria: Sema4 Curation Guidelines. Collection method: curation. Allele origin: germline.

Ambry Genetics
Classification: Likely benign for Hereditary cancer-predisposing syndrome. Last evaluated: 2018-12-26. Review status: criteria provided, single submitter. Criteria: Ambry Variant Classification Scheme 2023. Collection method: clinical testing. Allele origin: germline.

Illumina Laboratory Services, Illumina
Classification: Likely benign for Familial spontaneous pneumothorax. Last evaluated: 2017-04-27. Review status: criteria provided, single submitter. Criteria: ICSL Variant Classification Criteria 13 December 2019. Collection method: clinical testing. Allele origin: germline.
Comment: This variant was observed as part of a predisposition screen in an ostensibly healthy population. A literature search was performed for the gene, cDNA change, and amino acid change (where applicable). No publications were found based on this search. Allele frequency data from public databases allowed determination this variant is unlikely to cause disease. Therefore, this variant is classified as likely benign.

Illumina Laboratory Services, Illumina
Classification: Likely benign for Birt-Hogg-Dube syndrome 1. Last evaluated: 2017-04-27. Review status: criteria provided, single submitter. Criteria: ICSL Variant Classification Criteria 13 December 2019. Collection method: clinical testing. Allele origin: germline.
Comment: This variant was observed as part of a predisposition screen in an ostensibly healthy population. A literature search was performed for the gene, cDNA change, and amino acid change (where applicable). Publications were found based on this search. The evidence from the literature, in combination with allele frequency data from public databases where available, was sufficient to determine this variant is unlikely to cause disease. Therefore, this variant is classified as likely benign.

Breakthrough Genomics
Classification: Likely benign. Review status: criteria provided, single submitter. Criteria: ACMG Guidelines, 2015. Collection method: not provided. Allele origin: germline. Inheritance: Autosomal dominant inheritance. Affected: yes.

PreventionGenetics, part of Exact Sciences
Classification: Likely benign for FLCN-related condition. Last evaluated: 2020-09-15. Review status: no assertion criteria provided. Collection method: clinical testing. Allele origin: germline. Not counted in ClinVar's aggregate classification.
Comment: This variant is classified as likely benign based on ACMG/AMP sequence variant interpretation guidelines (Richards et al. 2015 PMID: 25741868, with internal and published modifications).

ITMI
No classification provided. Condition: AllHighlyPenetrant. Last evaluated: 2013-09-19. Review status: no classification provided. Collection method: reference population. Allele origin: germline. Not counted in ClinVar's aggregate classification.
Comment: Please see associated publication for description of ethnicities

Biesecker Lab/Clinical Genomics Section, National Institutes of Health
Classification: Uncertain significance. Last evaluated: 2012-07-13. Review status: no assertion criteria provided. Collection method: research. Allele origin: germline. Affected: no. Observed: 1 variant allele. Study: ClinSeq. Not counted in ClinVar's aggregate classification.
ClinVar note: Converted during submission from variant of unknown significance to Uncertain significance.

Genome Diagnostics Laboratory, Amsterdam University Medical Center
Classification: Likely benign. Review status: no assertion criteria provided. Collection method: clinical testing. Allele origin: germline. Affected: yes. Study: VKGL Data-share Consensus. Not counted in ClinVar's aggregate classification.

Joint Genome Diagnostic Labs from Nijmegen and Maastricht, Radboudumc and MUMC+
Classification: Likely benign. Review status: no assertion criteria provided. Collection method: clinical testing. Allele origin: germline. Affected: yes. Study: VKGL Data-share Consensus. Not counted in ClinVar's aggregate classification.

Literature cited by the submitters: PubMed 14627671 (cited by 3 submitters); PubMed 29641532 (cited by Quest Diagnostics Nichols Institute San Juan Capistrano); PubMed 24728327 (cited by 3 submitters); PubMed 27146957 (cited by Quest Diagnostics Nichols Institute San Juan Capistrano).